The following is an entry in ClinVar:

ClinVar aggregate classification (germline): Likely benign (1 of 4 stars; one submission).

Allele frequency attached by ClinVar (database versions not stated): gnomAD exomes 0.00001.
gnomAD v4.1: 14 of 1,614,218 alleles (0.00087%); highest among the groups gnomAD compares: Non-Finnish European, 0.0012%; no homozygotes.

Submission:

CeGaT Center for Human Genetics Tuebingen
Classification: Likely benign. Last evaluated: 2022-11-01. Review status: criteria provided, single submitter. Criteria: CeGaT Center For Human Genetics Tuebingen Variant Classification Criteria Version 2. Collection method: clinical testing. Allele origin: germline. Affected: yes. Observed: 1 variant allele.
Comment: ATP7B: PM2:Supporting, BP4, BP7

NM_000053.4(ATP7B):c.1707A>G (p.Thr569=)

Gene: ATP7B (ATPase copper transporting beta; minus strand). Cytogenetic location: 13q14.3.
Variant type: single nucleotide variant.
Coding change: c.1707A>G on transcript NM_000053.4 (MANE Select); coding-DNA position 1707, A replaced by G.
Protein change: p.Thr569=; no amino-acid change (threonine 569 retained).
Molecular consequence: synonymous variant. On other transcripts: intron variant (1).
Genome position (GRCh38, 1-based): chr13:51,968,444, T>C on the plus strand (A>G on the coding strand, the complement: ATP7B is on the minus strand). VCF-style: chr13-51968444-T-C. GRCh37 (hg19) VCF-style: chr13-52542580-T-C.
Other names: c.1707A>G, p.Thr569= (NM_001005918.3, NM_001330578.2, NM_001406531.1 and 26 more transcripts); c.1374A>G, p.Thr458= (NM_001243182.2); c.1611A>G, p.Thr537= (NM_001406530.1, NM_001406536.1, NM_001406543.1 and 3 more transcripts); c.1278A>G, p.Thr426= (NM_001406539.1); c.1285+5491A>G (NM_001406548.1); c.1674A>G, p.Thr558= (NM_001406514.1, NM_001406524.1).
Identifiers: ClinVar variation 2643820 (VCV002643820.24), dbSNP rs2139884730, ClinGen allele CA483897734.